The following is an entry in ClinVar:

NM_031885.5(BBS2):c.1456C>T (p.Leu486=)

Gene: BBS2 (Bardet-Biedl syndrome 2; minus strand). Cytogenetic location: 16q13.
Variant type: single nucleotide variant.
Coding change: c.1456C>T on transcript NM_031885.5 (MANE Select); coding-DNA position 1456, C replaced by T.
Protein change: p.Leu486=; no amino-acid change (leucine 486 retained).
Molecular consequence: synonymous variant. On other transcripts: non-coding transcript variant (5).
Genome position (GRCh38, 1-based): chr16:56,499,849, G>A on the plus strand (C>T on the coding strand, the complement: BBS2 is on the minus strand). VCF-style: chr16-56499849-G-A. GRCh37 (hg19) VCF-style: chr16-56533761-G-A.
Other names: c.1456C>T, p.Leu486= (NM_001377456.1); c.1456C>T (NM_031885.3).
Identifiers: ClinVar variation 1149374 (VCV001149374.11), dbSNP rs780493609, ClinGen allele CA8065730.

ClinVar aggregate classification (germline): Likely benign. Review status: criteria provided, single submitter (1 of 4 stars). 2 submissions from 2 submitters: Likely benign (1). 1 of the submissions does not count toward it. Last evaluated 2026-01-28.

Conditions:
BBS2-related disorder. Also called: BBS2-related disorders; BBS2-related condition. Identifiers: MedGen CN239228.
Bardet-Biedl syndrome (BBS). Identifiers: Orphanet 110, MedGen C0752166, MONDO:0015229.

Allele frequency attached by ClinVar (database versions not stated): ExAC 0.00001; gnomAD 0.00001; gnomAD exomes 0.00001 and 0.00002; TOPMed 0.00001.
gnomAD v4.1: 6 of 1,614,094 alleles (0.00037%); highest among the groups gnomAD compares: Admixed American, 0.01%; no homozygotes.

Submissions (2):

Labcorp Genetics (formerly Invitae), Labcorp
Classification: Likely benign for Bardet-Biedl syndrome. Last evaluated: 2026-01-28. Review status: criteria provided, single submitter. Criteria: Invitae Variant Classification Sherloc (09022015). Collection method: clinical testing. Allele origin: germline.

PreventionGenetics, part of Exact Sciences
Classification: Likely benign for BBS2-related condition. Last evaluated: 2021-10-20. Review status: no assertion criteria provided. Collection method: clinical testing. Allele origin: germline. Not counted in ClinVar's aggregate classification.
Comment: This variant is classified as likely benign based on ACMG/AMP sequence variant interpretation guidelines (Richards et al. 2015 PMID: 25741868, with internal and published modifications).